The following is an entry in ClinVar:

NM_004380.3(CREBBP):c.6390G>C (p.Gln2130His)

Gene: CREBBP (CREB binding lysine acetyltransferase; minus strand). Cytogenetic location: 16p13.3.
Variant type: single nucleotide variant.
Coding change: c.6390G>C on transcript NM_004380.3 (MANE Select); coding-DNA position 6390, G replaced by C.
Protein change: p.Gln2130His; replaces glutamine 2130 with histidine.
Molecular consequence: missense variant.
Genome position (GRCh38, 1-based): chr16:3,728,657, C>G on the plus strand (G>C on the coding strand, the complement: CREBBP is on the minus strand). VCF-style: chr16-3728657-C-G. GRCh37 (hg19) VCF-style: chr16-3778658-C-G.
Other names: c.6276G>C, p.Gln2092His (NM_001079846.1); short protein forms Q2092H, Q2130H.
Identifiers: ClinVar variation 2096733 (VCV002096733.4), dbSNP rs2051820546, ClinGen allele CA394553498.

ClinVar aggregate classification (germline): Uncertain significance (1 of 4 stars; one submission).

Conditions:
Rubinstein-Taybi syndrome (RSTS). Identifiers: Orphanet 783, MedGen C0035934, MONDO:0019188.

Allele frequency attached by ClinVar (database versions not stated): TOPMed below 0.00001.

Submission:

Labcorp Genetics (formerly Invitae), Labcorp
Classification: Uncertain significance for Rubinstein-Taybi syndrome. Last evaluated: 2022-02-11. Review status: criteria provided, single submitter. Criteria: Invitae Variant Classification Sherloc (09022015). Collection method: clinical testing. Allele origin: germline.
Comment: In summary, the available evidence is currently insufficient to determine the role of this variant in disease. Therefore, it has been classified as a Variant of Uncertain Significance. Advanced modeling of protein sequence and biophysical properties (such as structural, functional, and spatial information, amino acid conservation, physicochemical variation, residue mobility, and thermodynamic stability) performed at Invitae indicates that this missense variant is not expected to disrupt CREBBP protein function. This variant has not been reported in the literature in individuals affected with CREBBP-related conditions. This variant is not present in population databases (gnomAD no frequency). This sequence change replaces glutamine, which is neutral and polar, with histidine, which is basic and polar, at codon 2130 of the CREBBP protein (p.Gln2130His).